The following is an entry in ClinVar:

ClinVar aggregate classification (germline): Uncertain significance (1 of 4 stars; one submission).

Submission:

Mayo Clinic Laboratories, Mayo Clinic
Classification: Uncertain significance. Last evaluated: 2024-04-03. Review status: criteria provided, single submitter. Criteria: ACMG Guidelines, 2015. Collection method: clinical testing. Allele origin: germline. Observed: 2 variant alleles.
Comment: BP4

NM_021023.6(CFHR3):c.460G>C (p.Glu154Gln)

Gene: CFHR3 (complement factor H related 3; plus strand). Cytogenetic location: 1q31.3.
Variant type: single nucleotide variant.
Coding change: c.460G>C on transcript NM_021023.6 (MANE Select); coding-DNA position 460, G replaced by C.
Protein change: p.Glu154Gln; replaces glutamic acid 154 with glutamine.
Molecular consequence: missense variant. On other transcripts: intron variant (1).
Genome position (GRCh38, 1-based): chr1:196,788,245, G>C. VCF-style: chr1-196788245-G-C. GRCh37 (hg19) VCF-style: chr1-196757375-G-C.
Other names: p.Glu154Gln; c.431-1800G>C (NM_001166624.2); short protein forms E154Q.
Identifiers: ClinVar variation 3380318 (VCV003380318.1).